The following is an entry in ClinVar:

ClinVar aggregate classification (germline): Uncertain significance. Review status: criteria provided, multiple submitters, no conflicts (2 of 4 stars). 3 submissions from 3 submitters: Uncertain significance (3). Last evaluated 2024-03-01.

Conditions:
Inborn genetic diseases. Identifiers: MedGen C0950123, MeSH D030342.

Allele frequency attached by ClinVar (database versions not stated): ExAC 0.00002; gnomAD exomes 0.00002; TOPMed 0.00005; gnomAD 0.00006.
gnomAD v4.1: 41 of 1,592,190 alleles (0.0026%); highest among the groups gnomAD compares: South Asian, 0.01%; no homozygotes.

Submissions (3):

Labcorp Genetics (formerly Invitae), Labcorp
Classification: Uncertain significance. Last evaluated: 2024-03-01. Review status: criteria provided, single submitter. Criteria: Invitae Variant Classification Sherloc (09022015). Collection method: clinical testing. Allele origin: germline.
Comment: This sequence change replaces serine, which is neutral and polar, with leucine, which is neutral and non-polar, at codon 633 of the TAF6 protein (p.Ser633Leu). This variant is present in population databases (rs776521741, gnomAD 0.01%). This variant has not been reported in the literature in individuals affected with TAF6-related conditions. ClinVar contains an entry for this variant (Variation ID: 2246163). An algorithm developed to predict the effect of missense changes on protein structure and function (PolyPhen-2) suggests that this variant is likely to be tolerated. In summary, the available evidence is currently insufficient to determine the role of this variant in disease. Therefore, it has been classified as a Variant of Uncertain Significance.

CeGaT Center for Human Genetics Tuebingen
Classification: Uncertain significance. Last evaluated: 2022-07-01. Review status: criteria provided, single submitter. Criteria: CeGaT Center For Human Genetics Tuebingen Variant Classification Criteria Version 2. Collection method: clinical testing. Allele origin: germline. Affected: yes. Observed: 1 variant allele.
Comment: TAF6: PM2

Ambry Genetics
Classification: Uncertain significance for Inborn genetic diseases. Last evaluated: 2021-08-17. Review status: criteria provided, single submitter. Criteria: Ambry Variant Classification Scheme 2023. Collection method: clinical testing. Allele origin: germline.

NM_139315.3(TAF6):c.1898C>T (p.Ser633Leu)

Genes: AP4M1 (adaptor related protein complex 4 subunit mu 1; plus strand), TAF6 (TATA-box binding protein associated factor 6; minus strand). Cytogenetic location: 7q22.1.
Variant type: single nucleotide variant.
Coding change: c.1898C>T on transcript NM_139315.3 (MANE Select); coding-DNA position 1898, C replaced by T.
Protein change: p.Ser633Leu; replaces serine 633 with leucine.
Molecular consequence: missense variant. On other transcripts: non-coding transcript variant (1), 3 prime UTR variant (2).
Genome position (GRCh38, 1-based): chr7:100,107,382, G>A on the plus strand (C>T on the coding strand, the complement: TAF6 is on the minus strand). VCF-style: chr7-100107382-G-A. GRCh37 (hg19) VCF-style: chr7-99705005-G-A.
Other names: c.2009C>T, p.Ser670Leu (NM_001190415.2); c.1898C>T, p.Ser633Leu (NM_001364998.1, NM_001364999.1, NM_005641.4); c.1868C>T, p.Ser623Leu (NM_001365000.1, NM_001365001.1, NM_001365002.1 and 1 more transcripts); c.2036C>T, p.Ser679Leu (NM_001365004.1); c.*500G>A (NM_001363671.2, NM_004722.4); short protein forms S670L, S633L, S679L, S623L.
Identifiers: ClinVar variation 2246163 (VCV002246163.29), dbSNP rs776521741, ClinGen allele CA4375134.
Genomic context (GRCh38, chr7:100,107,382, plus strand): 5'-CTGTCCCCAGCCTCCTGCTTCCCCCCACAAAGGGCACTGCCGCTGAGTGGGGACGGGGAC[G>A]ATGCCGGGGGAGGAACTGGAGAAGGATGGGAGGTGGGGCCTCCTTTGCCCTCCCCTGTTG-3'
Protein context (NP_647476.1, residues 623-643): SHPSPVPPPA[Ser633Leu]SPSPLSGSAL